The following is an entry in ClinVar:

NM_015967.8(PTPN22):c.147T>C (p.Ala49=)

Genes: AP4B1-AS1 (AP4B1 antisense RNA 1; plus strand), PTPN22 (protein tyrosine phosphatase non-receptor type 22; minus strand). Cytogenetic location: 1p13.2.
Variant type: single nucleotide variant.
Coding change: c.147T>C on transcript NM_015967.8 (MANE Select); coding-DNA position 147, T replaced by C.
Protein change: p.Ala49=; no amino-acid change (alanine 49 retained).
Molecular consequence: synonymous variant.
Genome position (GRCh38, 1-based): chr1:113,859,401, A>G on the plus strand (T>C on the coding strand, the complement: PTPN22 is on the minus strand). VCF-style: chr1-113859401-A-G. GRCh37 (hg19) VCF-style: chr1-114402023-A-G.
Other names: c.147T>C, p.Ala49= (NM_001193431.3, NM_001308297.2, NM_012411.6).
Identifiers: ClinVar variation 788635 (VCV000788635.7), dbSNP rs61745743, ClinGen allele CA1015415.

ClinVar aggregate classification (germline): Benign. Review status: criteria provided, multiple submitters, no conflicts (2 of 4 stars). 3 submissions from 3 submitters: Benign (2). 1 of the submissions does not count toward it. Last evaluated 2019-12-31.

Conditions:
PTPN22-related disorder. Also called: PTPN22-related condition.

Allele frequency attached by ClinVar (database versions not stated): gnomAD exomes 0.00074 and 0.00176; ExAC 0.00218; 1000 Genomes Project 0.00699; gnomAD 0.00717 and 0.00774; 1000 Genomes Project 30x 0.00781; TOPMed 0.00799; ESP Exome Variant Server 0.00800.

Submissions (3):

Labcorp Genetics (formerly Invitae), Labcorp
Classification: Benign. Last evaluated: 2019-12-31. Review status: criteria provided, single submitter. Criteria: Invitae Variant Classification Sherloc (09022015). Collection method: clinical testing. Allele origin: germline.

Breakthrough Genomics
Classification: Benign. Review status: criteria provided, single submitter. Criteria: ACMG Guidelines, 2015. Collection method: not provided. Allele origin: germline. Inheritance: Autosomal recessive inheritance. Affected: yes.

PreventionGenetics, part of Exact Sciences
Classification: Benign for PTPN22-related condition. Last evaluated: 2024-08-22. Review status: no assertion criteria provided. Collection method: clinical testing. Allele origin: germline. Not counted in ClinVar's aggregate classification.
Comment: This variant is classified as benign based on ACMG/AMP sequence variant interpretation guidelines (Richards et al. 2015 PMID: 25741868, with internal and published modifications).